The following is an entry in ClinVar:

ClinVar aggregate classification (germline): Uncertain significance (1 of 4 stars; one submission).

Conditions:
Brugada syndrome 8 (BRGDA8). Identifiers: Orphanet 130, MedGen C2751083, MONDO:0013148, OMIM 613123.

Submission:

Labcorp Genetics (formerly Invitae), Labcorp
Classification: Uncertain significance for Brugada syndrome 8. Last evaluated: 2024-07-04. Review status: criteria provided, single submitter. Criteria: Invitae Variant Classification Sherloc (09022015). Collection method: clinical testing. Allele origin: germline.
Comment: This sequence change replaces serine, which is neutral and polar, with tyrosine, which is neutral and polar, at codon 1108 of the HCN4 protein (p.Ser1108Tyr). This variant is not present in population databases (gnomAD no frequency). This variant has not been reported in the literature in individuals affected with HCN4-related conditions. Advanced modeling of protein sequence and biophysical properties (such as structural, functional, and spatial information, amino acid conservation, physicochemical variation, residue mobility, and thermodynamic stability) performed at Invitae indicates that this missense variant is not expected to disrupt HCN4 protein function with a negative predictive value of 95%. In summary, the available evidence is currently insufficient to determine the role of this variant in disease. Therefore, it has been classified as a Variant of Uncertain Significance.

NM_005477.3(HCN4):c.3323C>A (p.Ser1108Tyr)

Gene: HCN4 (hyperpolarization activated cyclic nucleotide gated potassium channel 4; minus strand). Cytogenetic location: 15q24.1.
Variant type: single nucleotide variant.
Coding change: c.3323C>A on transcript NM_005477.3 (MANE Select); coding-DNA position 3323, C replaced by A.
Protein change: p.Ser1108Tyr; replaces serine 1108 with tyrosine.
Molecular consequence: missense variant.
Genome position (GRCh38, 1-based): chr15:73,322,770, G>T on the plus strand (C>A on the coding strand, the complement: HCN4 is on the minus strand). VCF-style: chr15-73322770-G-T. GRCh37 (hg19) VCF-style: chr15-73615111-G-T.
Other names: short protein forms S1108Y.
Identifiers: ClinVar variation 3636605 (VCV003636605.2).